The following is an entry in ClinVar:

NC_000010.10:g.(?_48383844)_(48386037_?)del

Gene: RBP3 (retinol binding protein 3; plus strand). Cytogenetic location: 10q11.22.
Variant type: Deletion.
Identifiers: ClinVar variation 999574 (VCV000999574.3).

ClinVar aggregate classification (germline): Uncertain significance (1 of 4 stars; one submission).

Submission:

Labcorp Genetics (formerly Invitae), Labcorp
Classification: Uncertain significance. Last evaluated: 2022-02-23. Review status: criteria provided, single submitter. Criteria: Invitae Variant Classification Sherloc (09022015). Collection method: clinical testing. Allele origin: germline.
Comment: In summary, the available evidence is currently insufficient to determine the role of this variant in disease. Therefore, it has been classified as a Variant of Uncertain Significance. This variant has not been reported in the literature in individuals affected with RBP3-related conditions. This variant is a gross deletion of the genomic region encompassing exon(s) 2-3 of the RBP3 gene. While this deletion is not anticipated to lead to nonsense mediated decay, it is expected to disrupt the C-terminus of the protein.